The following is an entry in ClinVar:

ClinVar aggregate classification (germline): Uncertain significance (1 of 4 stars; one submission).

gnomAD v4.1: 1 of 1,542,630 alleles (0.000065%); highest among the groups gnomAD compares: Non-Finnish European, 0.000087%; no homozygotes.

Submission:

Ambry Genetics
Classification: Uncertain significance. Last evaluated: 2026-03-06. Review status: criteria provided, single submitter. Criteria: Ambry Variant Classification Scheme 2023. Collection method: clinical testing. Allele origin: germline.
Comment: The p.F905Y variant (also known as c.2714T>A), located in coding exon 13 of the GEN1 gene, results from a T to A substitution at nucleotide position 2714. The phenylalanine at codon 905 is replaced by tyrosine, an amino acid with highly similar properties. This amino acid position is conserved. In addition, this alteration is predicted to be tolerated by in silico analysis. Based on the available evidence, the clinical significance of this variant remains unclear.

NM_001130009.3(GEN1):c.2714T>A (p.Phe905Tyr)

Gene: GEN1 (GEN1 structure-specific endonuclease; plus strand). Cytogenetic location: 2p24.2.
Variant type: single nucleotide variant.
Coding change: c.2714T>A on transcript NM_001130009.3 (MANE Select); coding-DNA position 2714, T replaced by A.
Protein change: p.Phe905Tyr; replaces phenylalanine 905 with tyrosine.
Molecular consequence: missense variant.
Genome position (GRCh38, 1-based): chr2:17,781,926, T>A. VCF-style: chr2-17781926-T-A. GRCh37 (hg19) VCF-style: chr2-17963193-T-A.
Other names: c.2714T>A, p.Phe905Tyr (NM_182625.5); short protein forms F905Y.
Identifiers: ClinVar variation 4826299 (VCV004826299.1).